The following is an entry in ClinVar:

ClinVar aggregate classification (germline): Likely benign (1 of 4 stars; one submission).

Allele frequency attached by ClinVar (database versions not stated): gnomAD 0.00029; TOPMed 0.00034; 1000 Genomes Project 0.00040; gnomAD exomes 0.00044; ESP Exome Variant Server 0.00046; 1000 Genomes Project 30x 0.00062; ExAC 0.00073.
gnomAD v4.1: 690 of 1,614,064 alleles (0.043%); highest among the groups gnomAD compares: Middle Eastern, 1.1%; 4 homozygotes.

Submission:

CeGaT Center for Human Genetics Tuebingen
Classification: Likely benign. Last evaluated: 2023-11-01. Review status: criteria provided, single submitter. Criteria: CeGaT Center For Human Genetics Tuebingen Variant Classification Criteria Version 2. Collection method: clinical testing. Allele origin: germline. Affected: yes. Observed: 1 variant allele.
Comment: ADCY2: BP4

NM_020546.3(ADCY2):c.2766C>T (p.Asp922=)

Gene: ADCY2 (adenylate cyclase 2; plus strand). Cytogenetic location: 5p15.31.
Variant type: single nucleotide variant.
Coding change: c.2766C>T on transcript NM_020546.3 (MANE Select); coding-DNA position 2766, C replaced by T.
Protein change: p.Asp922=; no amino-acid change (aspartic acid 922 retained).
Molecular consequence: synonymous variant.
Genome position (GRCh38, 1-based): chr5:7,802,355, C>T. VCF-style: chr5-7802355-C-T. GRCh37 (hg19) VCF-style: chr5-7802468-C-T.
Identifiers: ClinVar variation 2673003 (VCV002673003.23), dbSNP rs140943409, ClinGen allele CA3194561.
Genomic context (GRCh38, chr5:7,802,355, plus strand): 5'-ATCCGACGTGAACAAGGAGGGCTTGGAATGCCTTCGGCTCCTGAACGAGATCATCGCTGA[C>T]TTTGATGATGTAGGTACTGAGAGTTGCCCTCGAAGGGCAGCAGTACACTCAGTCTCACAC-3'
Protein context (NP_065433.2, residues 912-932): CLRLLNEIIA[Asp922=]FDDLLSKPKF